The following is an entry in ClinVar:

ClinVar aggregate classification (germline): Uncertain significance (1 of 4 stars; one submission).

Submission:

GeneDx
Classification: Uncertain significance. Last evaluated: 2025-01-10. Review status: criteria provided, single submitter. Criteria: GeneDx Variant Classification Process June 2021. Collection method: clinical testing. Allele origin: germline. Affected: yes.
Comment: Not observed at significant frequency in large population cohorts (gnomAD); In silico analysis supports that this missense variant has a deleterious effect on protein structure/function; Has not been previously published as pathogenic or benign to our knowledge

NM_006236.3(POU3F3):c.1121G>A (p.Cys374Tyr)

Gene: POU3F3 (POU class 3 homeobox 3; plus strand). Cytogenetic location: 2q12.1.
Variant type: single nucleotide variant.
Coding change: c.1121G>A on transcript NM_006236.3 (MANE Select); coding-DNA position 1121, G replaced by A.
Protein change: p.Cys374Tyr; replaces cysteine 374 with tyrosine.
Molecular consequence: missense variant.
Genome position (GRCh38, 1-based): chr2:104,856,631, G>A. VCF-style: chr2-104856631-G-A. GRCh37 (hg19) VCF-style: chr2-105473089-G-A.
Other names: short protein forms C374Y.
Identifiers: ClinVar variation 4057073 (VCV004057073.1).